The following is an entry in ClinVar:

NM_000038.6(APC):c.3466_3469del (p.Glu1156fs)

Gene: APC (APC regulator of Wnt signaling pathway; plus strand). Cytogenetic location: 5q22.2.
Variant type: Deletion.
Coding change: c.3466_3469del on transcript NM_000038.6 (MANE Select); coding-DNA positions 3466 to 3469, 4 bases deleted (GAAG; older notation c.3466_3469delGAAG).
Protein change: p.Glu1156fs; shifts the reading frame from glutamic acid 1156.
Molecular consequence: frameshift variant. On other transcripts: non-coding transcript variant (2).
Genome position (GRCh38, 1-based): chr5:112,839,060-112,839,063, GAAG deleted. VCF-style (leftmost placement, unchanged base first): chr5-112839059-AGAAG-A. GRCh37 (hg19) VCF-style: chr5-112174756-AGAAG-A.
Other names: c.3079_3082del, p.Glu1027fs (NM_001407467.1, NM_001407469.1); c.2314_2317del, p.Glu772fs (NM_001407471.1, NM_001407472.1); c.2617_2620del, p.Glu873fs (NM_001407470.1, NM_001354906.2); c.3466_3469del, p.Glu1156fs (NM_001127510.3, NM_001354895.2, NM_001407450.1); c.3412_3415del, p.Glu1138fs (NM_001127511.3); c.3520_3523del, p.Glu1174fs (NM_001354896.2, NM_001407447.1, NM_001407448.1 and 1 more transcripts); c.3496_3499del, p.Glu1166fs (NM_001354897.2); c.3391_3394del, p.Glu1131fs (NM_001354898.2); and 11 more; short protein forms E1027fs, E1030fs, E1055fs, E1065fs, E1073fs, E1097fs, E1115fs, E1128fs.
Identifiers: ClinVar variation 2674209 (VCV002674209.1), dbSNP rs2533500375, ClinGen allele CA2695198714.

ClinVar aggregate classification (germline): Pathogenic (1 of 4 stars; one submission).

Conditions:
Familial adenomatous polyposis 1 (FAP1). Also called: FAMILIAL ADENOMATOUS POLYPOSIS 1, ATTENUATED; POLYPOSIS, ADENOMATOUS INTESTINAL. Identifiers: MedGen C2713442, MONDO:0021056, OMIM 175100. Disease mechanism: loss of function.

Submission:

Myriad Genetics, Inc.
Classification: Pathogenic for Familial adenomatous polyposis 1. Last evaluated: 2023-09-07. Review status: criteria provided, single submitter. Criteria: Myriad Autosomal Dominant, Autosomal Recessive and X-Linked Classification Criteria (2023). Collection method: clinical testing. Allele origin: unknown.
Comment: This variant is considered pathogenic. This variant creates a frameshift predicted to result in premature protein truncation.